The following is an entry in ClinVar:

NM_015028.4(TNIK):c.2724G>T (p.Thr908=)

Gene: TNIK (TRAF2 and NCK interacting kinase; minus strand). Cytogenetic location: 3q26.2.
Variant type: single nucleotide variant.
Coding change: c.2724G>T on transcript NM_015028.4 (MANE Select); coding-DNA position 2724, G replaced by T.
Protein change: p.Thr908=; no amino-acid change (threonine 908 retained).
Molecular consequence: synonymous variant.
Genome position (GRCh38, 1-based): chr3:171,087,504, C>A on the plus strand (G>T on the coding strand, the complement: TNIK is on the minus strand). VCF-style: chr3-171087504-C-A. GRCh37 (hg19) VCF-style: chr3-170805293-C-A.
Other names: c.2700G>T, p.Thr900= (NM_001161560.3); c.2637G>T, p.Thr879= (NM_001161561.3); c.2613G>T, p.Thr871= (NM_001161562.3); c.2559G>T, p.Thr853= (NM_001161563.3); c.2535G>T, p.Thr845= (NM_001161564.3); c.2472G>T, p.Thr824= (NM_001161565.3); c.2448G>T, p.Thr816= (NM_001161566.3).
Identifiers: ClinVar variation 1031854 (VCV001031854.1), dbSNP rs377530882, ClinGen allele CA2703100.
Genomic context (GRCh38, chr3:171,087,504, plus strand): 5'-GTTGATGTGGCCAGCAAAGCCATTGCTGTCACTGTGGCCAGATCGCTTCTTCTCTCCAGA[C>A]GTCTGAGGGAGCACAGCACGTGGGAGGAGTTAGAGAGGGGGGAAAAAGGCCACAGAGTGA-3'
Protein context (NP_055843.1, residues 898-918): SREGTLMIRE[Thr908=]SGEKKRSGHS

ClinVar aggregate classification (germline): Uncertain significance (1 of 4 stars; one submission).

Conditions:
Intellectual developmental disorder, autosomal recessive 54. Also called: Intellectual disability, autosomal recessive 54. Identifiers: Orphanet 88616, MedGen C4310755, MONDO:0014876, OMIM 617028.

Allele frequency attached by ClinVar (database versions not stated): ESP Exome Variant Server 0.00016; TOPMed 0.00028; 1000 Genomes Project 0.00080; 1000 Genomes Project 30x 0.00062.
gnomAD v4.1: 89 of 1,613,544 alleles (0.0055%); highest among the groups gnomAD compares: African/African-American, 0.11%; no homozygotes.

Submission:

Baylor Genetics
Classification: Uncertain significance for Intellectual developmental disorder, autosomal recessive 54. Last evaluated: 2018-06-11. Review status: criteria provided, single submitter. Criteria: ACMG Guidelines, 2015. Collection method: clinical testing. Allele origin: maternal. Affected: yes.
Comment: This variant was determined to be of uncertain significance according to ACMG Guidelines, 2015 [PMID:25741868].